The following is an entry in ClinVar:

NM_004360.5(CDH1):c.60del (p.Trp20fs)

Gene: CDH1 (cadherin 1; plus strand). Cytogenetic location: 16q22.1.
Variant type: Deletion.
Coding change: c.60del on transcript NM_004360.5 (MANE Select); coding-DNA position 60, one base deleted (G; older notation c.60delG).
Protein change: p.Trp20fs; shifts the reading frame from tryptophan 20.
Molecular consequence: frameshift variant. On other transcripts: 5 prime UTR variant (2).
Genome position (GRCh38, 1-based): chr16:68,738,308, G deleted; the last of 2 consecutive G bases (chr16:68,738,307-68,738,308); deleting either gives the same sequence. VCF-style (leftmost placement, unchanged base first): chr16-68738306-TG-T. GRCh37 (hg19) VCF-style: chr16-68772209-TG-T.
Other names: c.-1760del (NM_001317186.2); c.60del, p.Trp20fs (NM_001317184.2); c.-1556del (NM_001317185.2); short protein forms W20fs.
Identifiers: ClinVar variation 1437379 (VCV001437379.6), dbSNP rs2152114347, ClinGen allele CA2573152517.

ClinVar aggregate classification (germline): Pathogenic (1 of 4 stars; one submission).

Conditions:
Hereditary diffuse gastric adenocarcinoma (HDGC). Also called: DIFFUSE GASTRIC AND LOBULAR BREAST CANCER SYNDROME. Identifiers: Orphanet 26106, MedGen C1708349, MONDO:0007648, OMIM 137215.

Submission:

Labcorp Genetics (formerly Invitae), Labcorp
Classification: Pathogenic for Hereditary diffuse gastric adenocarcinoma. Last evaluated: 2021-02-17. Review status: criteria provided, single submitter. Criteria: Invitae Variant Classification Sherloc (09022015). Collection method: clinical testing. Allele origin: germline.
Comment: This variant is not present in population databases (ExAC no frequency). This sequence change creates a premature translational stop signal (p.Trp20Cysfs*36) in the CDH1 gene. It is expected to result in an absent or disrupted protein product. Loss-of-function variants in CDH1 are known to be pathogenic (PMID: 15235021, 20373070). This variant has not been reported in the literature in individuals with CDH1-related conditions. For these reasons, this variant has been classified as Pathogenic.

Literature cited by the submitters: PubMed 15235021; PubMed 20373070.